The following is an entry in ClinVar:

ClinVar aggregate classification (germline): Uncertain significance. Review status: criteria provided, multiple submitters, no conflicts (2 of 4 stars). 3 submissions from 3 submitters: Uncertain significance (3). Last evaluated 2024-10-31.

Conditions:
Hereditary cancer-predisposing syndrome. Also called: Hereditary Cancer Syndrome; Tumor predisposition; Neoplastic Syndromes, Hereditary; Hereditary neoplastic syndrome. Identifiers: Orphanet 140162, MedGen C0027672, MeSH D009386, MONDO:0015356.
Neuroblastoma, susceptibility to, 3. Also called: ALK-Related Neuroblastic Tumor Susceptibility. Identifiers: Orphanet 635, MedGen C2751681, MONDO:0013083, OMIM 613014.

Allele frequency attached by ClinVar (database versions not stated): gnomAD 0.00001; TOPMed 0.00001.
gnomAD v4.1: 2 of 1,613,876 alleles (0.00012%); highest among the groups gnomAD compares: African/African-American, 0.0027%; no homozygotes.

Submissions (3):

Ambry Genetics
Classification: Uncertain significance for Hereditary cancer-predisposing syndrome. Last evaluated: 2024-10-31. Review status: criteria provided, single submitter. Criteria: Ambry Variant Classification Scheme 2023. Collection method: clinical testing. Allele origin: germline.
Comment: The p.I1522R variant (also known as c.4565T>G), located in coding exon 29 of the ALK gene, results from a T to G substitution at nucleotide position 4565. The isoleucine at codon 1522 is replaced by arginine, an amino acid with similar properties. This amino acid position is conserved. In addition, this alteration is predicted to be tolerated by in silico analysis. Since supporting evidence is limited at this time, the clinical significance of this alteration remains unclear.

Labcorp Genetics (formerly Invitae), Labcorp
Classification: Uncertain significance for Neuroblastoma, susceptibility to, 3. Last evaluated: 2024-05-15. Review status: criteria provided, single submitter. Criteria: Invitae Variant Classification Sherloc (09022015). Collection method: clinical testing. Allele origin: germline.
Comment: This sequence change replaces isoleucine, which is neutral and non-polar, with arginine, which is basic and polar, at codon 1522 of the ALK protein (p.Ile1522Arg). This variant is not present in population databases (gnomAD no frequency). This variant has not been reported in the literature in individuals affected with ALK-related conditions. ClinVar contains an entry for this variant (Variation ID: 647169). An algorithm developed to predict the effect of missense changes on protein structure and function (PolyPhen-2) suggests that this variant is likely to be tolerated. In summary, the available evidence is currently insufficient to determine the role of this variant in disease. Therefore, it has been classified as a Variant of Uncertain Significance.

Fulgent Genetics
Classification: Uncertain significance for Neuroblastoma, susceptibility to, 3. Last evaluated: 2024-01-24. Review status: criteria provided, single submitter. Criteria: ACMG Guidelines, 2015. Collection method: clinical testing. Allele origin: germline.

NM_004304.5(ALK):c.4565T>G (p.Ile1522Arg)

Gene: ALK (ALK receptor tyrosine kinase; minus strand). Cytogenetic location: 2p23.2.
Variant type: single nucleotide variant.
Coding change: c.4565T>G on transcript NM_004304.5 (MANE Select); coding-DNA position 4565, T replaced by G.
Protein change: p.Ile1522Arg; replaces isoleucine 1522 with arginine.
Molecular consequence: missense variant.
Genome position (GRCh38, 1-based): chr2:29,193,522, A>C on the plus strand (T>G on the coding strand, the complement: ALK is on the minus strand). VCF-style: chr2-29193522-A-C. GRCh37 (hg19) VCF-style: chr2-29416388-A-C.
Other names: c.1361T>G, p.Ile454Arg (NM_001353765.2); short protein forms I1522R, I454R.
Identifiers: ClinVar variation 647169 (VCV000647169.15), dbSNP rs771352312, ClinGen allele CA44634840.